The following is an entry in ClinVar:

NM_001290047.2(CECR2):c.1597C>T (p.Arg533Ter)

Gene: CECR2 (CECR2 histone acetyl-lysine reader; plus strand). Cytogenetic location: 22q11.21.
Variant type: single nucleotide variant.
Coding change: c.1597C>T on transcript NM_001290047.2 (MANE Select); coding-DNA position 1597, C replaced by T.
Protein change: p.Arg533Ter; replaces arginine 533 with a stop codon.
Molecular consequence: nonsense.
Genome position (GRCh38, 1-based): chr22:17,540,513, C>T. VCF-style: chr22-17540513-C-T. GRCh37 (hg19) VCF-style: chr22-18020202-C-T.
Other names: c.1108C>T, p.Arg370Ter (NM_001290046.2); short protein forms R370*, R533*.
Identifiers: ClinVar variation 4886224 (VCV004886224.2).

ClinVar aggregate classification (germline): Uncertain significance (1 of 4 stars; one submission).

gnomAD v4.1: 1 of 1,611,012 alleles (0.000062%); highest among the groups gnomAD compares: Non-Finnish European, 0.000085%; no homozygotes.

Submission:

Dasa
Classification: Uncertain significance. Last evaluated: 2025-05-21. Review status: criteria provided, single submitter. Criteria: DASA Assertion Criteria. Collection method: clinical testing. Allele origin: germline.
Comment: NM_001290047.2(CECR2):c.1597C>T (p.Arg533*) is a nonsense variant in CECR2 predicted to introduce a premature termination codon. This variant is rare in population databases. The currently available literature and clinical evidence are not sufficient to establish a definitive association between this variant and the reported condition. Therefore, this variant is classified as a variant of uncertain significance.